The following is an entry in ClinVar:

NM_000166.6(GJB1):c.461A>G (p.Tyr154Cys)

Gene: GJB1 (gap junction protein beta 1; plus strand). Cytogenetic location: Xq13.1.
Variant type: single nucleotide variant.
Coding change: c.461A>G on transcript NM_000166.6 (MANE Select); coding-DNA position 461, A replaced by G.
Protein change: p.Tyr154Cys; replaces tyrosine 154 with cysteine.
Molecular consequence: missense variant.
Genome position (GRCh38, 1-based): chrX:71,224,168, A>G. VCF-style: chrX-71224168-A-G. GRCh37 (hg19) VCF-style: chrX-70444018-A-G.
Other names: c.461A>G, p.Tyr154Cys (NM_001097642.3); short protein forms Y154C.
Identifiers: ClinVar variation 477597 (VCV000477597.9), dbSNP rs1555937189, ClinGen allele CA413502587.
Genomic context (GRCh38, chrX:71,224,168, plus strand): 5'-CCTATGTCATCAGCGTGGTGTTCCGGCTGTTGTTTGAGGCCGTCTTCATGTATGTCTTTT[A>G]TCTGCTCTACCCTGGCTATGCCATGGTGCGGCTGGTCAAGTGCGACGTCTACCCCTGCCC-3'
Protein context (NP_000157.1, residues 144-164): LFEAVFMYVF[Tyr154Cys]LLYPGYAMVR

ClinVar aggregate classification (germline): Uncertain significance. Review status: criteria provided, multiple submitters, no conflicts (2 of 4 stars). 2 submissions from 2 submitters: Uncertain significance (2). Last evaluated 2021-09-15.

Conditions:
Charcot-Marie-Tooth Neuropathy X. Identifiers: MedGen CN118851.
Charcot-Marie-Tooth disease X-linked dominant 1. Also called: X-linked Charcot-Marie-Tooth disease type 1; CHARCOT-MARIE-TOOTH NEUROPATHY, X-LINKED, 1; CHARCOT-MARIE-TOOTH PERONEAL MUSCULAR ATROPHY, X-LINKED; Charcot-Marie-Tooth Neuropathy X Type 1; GJB1 Disorders: Charcot-Marie-Tooth Neuropathy (CMT1X) and Central Nervous System Phenotypes; HEREDITARY MOTOR AND SENSORY NEUROPATHY, X-LINKED. Identifiers: Orphanet 101075, MedGen C0393808, MONDO:0010549, OMIM 302800.

Submissions (2):

Labcorp Genetics (formerly Invitae), Labcorp
Classification: Uncertain significance for Charcot-Marie-Tooth Neuropathy X. Last evaluated: 2021-09-15. Review status: criteria provided, single submitter. Criteria: Invitae Variant Classification Sherloc (09022015). Collection method: clinical testing. Allele origin: germline.
Comment: This sequence change replaces tyrosine with cysteine at codon 154 of the GJB1 protein (p.Tyr154Cys). The tyrosine residue is highly conserved and there is a large physicochemical difference between tyrosine and cysteine. This variant is not present in population databases (ExAC no frequency). This missense change has been observed in individual(s) with clinical features of GJB1-related conditions (Invitae). Algorithms developed to predict the effect of missense changes on protein structure and function (SIFT, PolyPhen-2, Align-GVGD) all suggest that this variant is likely to be disruptive. In summary, the available evidence is currently insufficient to determine the role of this variant in disease. Therefore, it has been classified as a Variant of Uncertain Significance.

3billion
Classification: Uncertain significance for Charcot-Marie-Tooth disease X-linked dominant 1. Review status: criteria provided, single submitter. Criteria: ACMG Guidelines, 2015. Collection method: clinical testing. Allele origin: unknown. Affected: yes. Observed: 1 heterozygote.
Comment: The variant is not observed in the gnomAD v2.1.1 dataset. In silico tool predictions suggest damaging effect of the variant on gene or gene product (REVEL: 0.96; 3Cnet: 0.86). Therefore, this variant is classified as Uncertain significance according to the recommendation of ACMG/AMP guideline.